The following is an entry in ClinVar:

ClinVar aggregate classification (germline): Likely benign (1 of 4 stars; one submission).

Submission:

CeGaT Center for Human Genetics Tuebingen
Classification: Likely benign. Last evaluated: 2025-07-01. Review status: criteria provided, single submitter. Criteria: CeGaT Center For Human Genetics Tuebingen Variant Classification Criteria Version 2. Collection method: clinical testing. Allele origin: germline. Affected: yes. Observed: 1 variant allele.
Comment: ARID1A: PM2:Supporting, BP4, BP7

NM_006015.6(ARID1A):c.135C>A (p.Ala45=)

Gene: ARID1A (AT-rich interaction domain 1A; plus strand). Cytogenetic location: 1p36.11.
Variant type: single nucleotide variant.
Coding change: c.135C>A on transcript NM_006015.6 (MANE Select); coding-DNA position 135, C replaced by A.
Protein change: p.Ala45=; no amino-acid change (alanine 45 retained).
Molecular consequence: synonymous variant.
Genome position (GRCh38, 1-based): chr1:26,696,538, C>A. VCF-style: chr1-26696538-C-A. GRCh37 (hg19) VCF-style: chr1-27023029-C-A.
Other names: c.135C>A, p.Ala45= (NM_139135.4).
Identifiers: ClinVar variation 4084099 (VCV004084099.8).